The following is an entry in ClinVar:

NM_152383.5(DIS3L2):c.2653A>C (p.Ser885Arg)

Gene: DIS3L2 (DIS3 like 3'-5' exoribonuclease 2; plus strand). Cytogenetic location: 2q37.1.
Variant type: single nucleotide variant.
Coding change: c.2653A>C on transcript NM_152383.5 (MANE Select); coding-DNA position 2653, A replaced by C.
Protein change: p.Ser885Arg; replaces serine 885 with arginine.
Molecular consequence: missense variant. On other transcripts: non-coding transcript variant (2), intron variant (1).
Genome position (GRCh38, 1-based): chr2:232,336,625, A>C. VCF-style: chr2-232336625-A-C. GRCh37 (hg19) VCF-style: chr2-233201335-A-C.
Other names: c.1582-6720A>C (NM_001257281.2); short protein forms S885R.
Identifiers: ClinVar variation 958103 (VCV000958103.9), dbSNP rs1410322218, ClinGen allele CA350979154.
Genomic context (GRCh38, chr2:232,336,625, plus strand): 5'-CACCTGGGCCCTGAGAAGGAGGAGGAGGAGTCTGACGGTGAGCCCGAGGACTCAAGCACC[A>C]GCTGAGCTCCACCAGCCGCCTGCCCCGCCTGCCCCGCCTGCCTGTCCCGCCACACTGGCT-3'
Protein context (NP_689596.4, residues 875-885): SDGEPEDSST[Ser885Arg]

ClinVar aggregate classification (germline): Uncertain significance (1 of 4 stars; one submission).

Conditions:
Perlman syndrome (PRLMNS). Identifiers: Orphanet 2849, MedGen C0796113, MONDO:0009965, OMIM 267000.

Submission:

Labcorp Genetics (formerly Invitae), Labcorp
Classification: Uncertain significance for Perlman syndrome. Last evaluated: 2023-12-07. Review status: criteria provided, single submitter. Criteria: Invitae Variant Classification Sherloc (09022015). Collection method: clinical testing. Allele origin: germline.
Comment: This sequence change replaces serine, which is neutral and polar, with arginine, which is basic and polar, at codon 885 of the DIS3L2 protein (p.Ser885Arg). This variant is not present in population databases (gnomAD no frequency). This variant has not been reported in the literature in individuals affected with DIS3L2-related conditions. ClinVar contains an entry for this variant (Variation ID: 958103). Experimental studies and prediction algorithms are not available or were not evaluated, and the functional significance of this variant is currently unknown. In summary, the available evidence is currently insufficient to determine the role of this variant in disease. Therefore, it has been classified as a Variant of Uncertain Significance.